The following is an entry in ClinVar:

ClinVar aggregate classification (germline): Uncertain significance (1 of 4 stars; one submission).

Conditions:
Inborn genetic diseases. Identifiers: MedGen C0950123, MeSH D030342.

Submission:

Ambry Genetics
Classification: Uncertain significance for Inborn genetic diseases. Last evaluated: 2025-01-13. Review status: criteria provided, single submitter. Criteria: Ambry Variant Classification Scheme 2023. Collection method: clinical testing. Allele origin: germline.
Comment: The p.S226L variant (also known as c.677C>T), located in coding exon 1 of the SAMD9L gene, results from a C to T substitution at nucleotide position 677. The serine at codon 226 is replaced by leucine, an amino acid with dissimilar properties. This amino acid position is conserved. In addition, this alteration is predicted to be tolerated by in silico analysis. Based on the available evidence, the clinical significance of this variant remains unclear.

NM_152703.5(SAMD9L):c.677C>T (p.Ser226Leu)

Gene: SAMD9L (sterile alpha motif domain containing 9 like; minus strand). Cytogenetic location: 7q21.2.
Variant type: single nucleotide variant.
Coding change: c.677C>T on transcript NM_152703.5 (MANE Select); coding-DNA position 677, C replaced by T.
Protein change: p.Ser226Leu; replaces serine 226 with leucine.
Molecular consequence: missense variant.
Genome position (GRCh38, 1-based): chr7:93,135,295, G>A on the plus strand (C>T on the coding strand, the complement: SAMD9L is on the minus strand). VCF-style: chr7-93135295-G-A. GRCh37 (hg19) VCF-style: chr7-92764608-G-A.
Other names: c.677C>T, p.Ser226Leu (NM_001303496.3, NM_001303497.3, NM_001303498.3 and 5 more transcripts); short protein forms S226L.
Identifiers: ClinVar variation 3792312 (VCV003792312.1).